The following is an entry in ClinVar:

ClinVar aggregate classification (germline): Uncertain significance (1 of 4 stars; one submission).

Conditions:
Inborn genetic diseases. Identifiers: MedGen C0950123, MeSH D030342.

Submission:

Ambry Genetics
Classification: Uncertain significance for Inborn genetic diseases. Last evaluated: 2025-03-22. Review status: criteria provided, single submitter. Criteria: Ambry Variant Classification Scheme 2023. Collection method: clinical testing. Allele origin: germline.
Comment: The p.A125S variant (also known as c.373G>T), located in coding exon 1 of the SH2B3 gene, results from a G to T substitution at nucleotide position 373. The alanine at codon 125 is replaced by serine, an amino acid with similar properties. This amino acid position is conserved. In addition, this alteration is predicted to be tolerated by in silico analysis. Based on the available evidence, the clinical significance of this variant remains unclear.

NM_005475.3(SH2B3):c.373G>T (p.Ala125Ser)

Gene: SH2B3 (SH2B adaptor protein 3; plus strand). Cytogenetic location: 12q24.12.
Variant type: single nucleotide variant.
Coding change: c.373G>T on transcript NM_005475.3 (MANE Select); coding-DNA position 373, G replaced by T.
Protein change: p.Ala125Ser; replaces alanine 125 with serine.
Molecular consequence: missense variant.
Genome position (GRCh38, 1-based): chr12:111,418,518, G>T. VCF-style: chr12-111418518-G-T. GRCh37 (hg19) VCF-style: chr12-111856322-G-T.
Other names: short protein forms A125S.
Identifiers: ClinVar variation 3953367 (VCV003953367.1).